The following is an entry in ClinVar:

NM_001750.7(CAST):c.887A>G (p.Glu296Gly)

Gene: CAST (calpastatin; plus strand). Cytogenetic location: 5q15.
Variant type: single nucleotide variant.
Coding change: c.887A>G on transcript NM_001750.7 (MANE Select); coding-DNA position 887, A replaced by G.
Protein change: p.Glu296Gly; replaces glutamic acid 296 with glycine.
Molecular consequence: missense variant. On other transcripts: intron variant (8).
Genome position (GRCh38, 1-based): chr5:96,740,752, A>G. VCF-style: chr5-96740752-A-G. GRCh37 (hg19) VCF-style: chr5-96076456-A-G.
Other names: c.764A>G, p.Glu255Gly (NM_001042440.5, NM_001330627.2); c.830A>G, p.Glu277Gly (NM_001042441.3); c.821A>G, p.Glu274Gly (NM_001042442.3); c.638A>G, p.Glu213Gly (NM_001042443.3); c.515A>G, p.Glu172Gly (NM_001042444.3, NM_001284212.4); c.422A>G, p.Glu141Gly (NM_001284213.4); c.719A>G, p.Glu240Gly (NM_001330628.2); c.572A>G, p.Glu191Gly (NM_001330632.2, NM_173060.5); and 9 more; short protein forms E194G, E274G, E172G, E240G, E141G, E191G, E255G, E277G.
Identifiers: ClinVar variation 1520016 (VCV001520016.10), dbSNP rs76096010, ClinGen allele CA3351014.
Genomic context (GRCh38, chr5:96,740,752, plus strand): 5'-TCTTAAGGATTAATTCTACCTTCTCAACATCATCAAATTAATATTTGTTTCAGAAAAAGG[A>G]AGGGATCACAGGGCCTCCTGCAGACTCTTCGGTGAGTTTACATACATGTCTTCTGATCTA-3'
Protein context (NP_001741.4, residues 286-306): PKYRELLAKK[Glu296Gly]GITGPPADSS

ClinVar aggregate classification (germline): Uncertain significance. Review status: criteria provided, multiple submitters, no conflicts (2 of 4 stars). 2 submissions from 2 submitters: Uncertain significance (2). Last evaluated 2023-08-02.

Conditions:
Inborn genetic diseases. Identifiers: MedGen C0950123, MeSH D030342.

Allele frequency attached by ClinVar (database versions not stated): gnomAD exomes 0.00005 and 0.00010; ExAC 0.00012; 1000 Genomes Project 30x 0.00016; 1000 Genomes Project 0.00020; gnomAD 0.00059 and 0.00064; TOPMed 0.00059; ESP Exome Variant Server 0.00077.
gnomAD v4.1: 158 of 1,599,412 alleles (0.0099%); highest among the groups gnomAD compares: African/African-American, 0.2%; no homozygotes.

Submissions (2):

Ambry Genetics
Classification: Uncertain significance for Inborn genetic diseases. Last evaluated: 2023-08-02. Review status: criteria provided, single submitter. Criteria: Ambry Variant Classification Scheme 2023. Collection method: clinical testing. Allele origin: germline.

Labcorp Genetics (formerly Invitae), Labcorp
Classification: Uncertain significance. Last evaluated: 2021-06-29. Review status: criteria provided, single submitter. Criteria: Invitae Variant Classification Sherloc (09022015). Collection method: clinical testing. Allele origin: germline.
Comment: In summary, the available evidence is currently insufficient to determine the role of this variant in disease. Therefore, it has been classified as a Variant of Uncertain Significance. Algorithms developed to predict the effect of missense changes on protein structure and function output the following: SIFT: "Not Available"; PolyPhen-2: "Possibly Damaging"; Align-GVGD: "Not Available". The glycine amino acid residue is found in multiple mammalian species, which suggests that this missense change does not adversely affect protein function. This sequence change replaces glutamic acid with glycine at codon 255 of the CAST protein (p.Glu255Gly). The glutamic acid residue is moderately conserved and there is a moderate physicochemical difference between glutamic acid and glycine. This variant is present in population databases (rs76096010, ExAC 0.1%). This variant has not been reported in the literature in individuals affected with CAST-related conditions.